The following is an entry in ClinVar:

NM_001267550.2(TTN):c.31846+5A>G

Gene: TTN (titin; minus strand). Cytogenetic location: 2q31.2.
Variant type: single nucleotide variant.
Coding change: c.31846+5A>G on transcript NM_001267550.2 (MANE Select); 5 bases into the intron after coding-DNA position 31846, A replaced by G.
Molecular consequence: intron variant.
Genome position (GRCh38, 1-based): chr2:178,689,808, T>C on the plus strand (A>G on the coding strand, the complement: TTN is on the minus strand). VCF-style: chr2-178689808-T-C. GRCh37 (hg19) VCF-style: chr2-179554535-T-C.
Other names: c.13283-47491A>G (NM_003319.4); c.13859-47491A>G (NM_133437.4); c.13658-47491A>G (NM_133432.3); c.28114+5A>G (NM_133378.4); c.30895+5A>G (NM_001256850.1).
Identifiers: ClinVar variation 283036 (VCV000283036.5), dbSNP rs760788961, ClinGen allele CA1998829.

ClinVar aggregate classification (germline): Conflicting classifications of pathogenicity. Review status: criteria provided, conflicting classifications (1 of 4 stars). 2 submissions from 2 submitters: Uncertain significance (1); Likely benign (1). Last evaluated 2016-06-08.

Allele frequency attached by ClinVar (database versions not stated): TOPMed below 0.00001; ExAC 0.00001; gnomAD exomes 0.00001.
gnomAD v4.1: 13 of 1,605,454 alleles (0.00081%); highest among the groups gnomAD compares: South Asian, 0.0068%; no homozygotes.

Submissions (2):

GeneDx
Classification: Likely benign. Last evaluated: 2016-06-08. Review status: criteria provided, single submitter. Criteria: GeneDx Variant Classification (06012015). Collection method: clinical testing. Allele origin: germline. Affected: yes.
Comment: This variant is considered likely benign or benign based on one or more of the following criteria: it is a conservative change, it occurs at a poorly conserved position in the protein, it is predicted to be benign by multiple in silico algorithms, and/or has population frequency not consistent with disease.

Eurofins Ntd Llc (ga)
Classification: Uncertain significance. Last evaluated: 2015-09-01. Review status: criteria provided, single submitter. Criteria: EGL Classification Definitions 2015. Collection method: clinical testing. Allele origin: germline. Observed: 1 variant allele, 1 heterozygote.